The following is an entry in ClinVar:

NM_004850.5(ROCK2):c.704C>A (p.Thr235Lys)

Gene: ROCK2 (Rho associated coiled-coil containing protein kinase 2; minus strand). Cytogenetic location: 2p25.1.
Variant type: single nucleotide variant.
Coding change: c.704C>A on transcript NM_004850.5 (MANE Select); coding-DNA position 704, C replaced by A.
Protein change: p.Thr235Lys; replaces threonine 235 with lysine.
Molecular consequence: missense variant.
Genome position (GRCh38, 1-based): chr2:11,235,721, G>T on the plus strand (C>A on the coding strand, the complement: ROCK2 is on the minus strand). VCF-style: chr2-11235721-G-T. GRCh37 (hg19) VCF-style: chr2-11375847-G-T.
Other names: c.446C>A, p.Thr149Lys (NM_001321643.2); short protein forms T149K, T235K.
Identifiers: ClinVar variation 3905815 (VCV003905815.10).

ClinVar aggregate classification (germline): Uncertain significance (1 of 4 stars; one submission).

Submission:

CeGaT Center for Human Genetics Tuebingen
Classification: Uncertain significance. Last evaluated: 2025-05-01. Review status: criteria provided, single submitter. Criteria: CeGaT Center For Human Genetics Tuebingen Variant Classification Criteria Version 2. Collection method: clinical testing. Allele origin: germline. Affected: yes. Observed: 1 variant allele.
Comment: ROCK2: PM2, PP2